The following is an entry in ClinVar:

ClinVar aggregate classification (germline): Likely benign (1 of 4 stars; one submission).

Allele frequency attached by ClinVar (database versions not stated): TOPMed 0.00037; gnomAD exomes 0.00046; gnomAD 0.00060; ExAC 0.00086.
gnomAD v4.1: 744 of 1,589,912 alleles (0.047%); highest among the groups gnomAD compares: Non-Finnish European, 0.048%; no homozygotes.

Submission:

CeGaT Center for Human Genetics Tuebingen
Classification: Likely benign. Last evaluated: 2023-02-01. Review status: criteria provided, single submitter. Criteria: CeGaT Center For Human Genetics Tuebingen Variant Classification Criteria Version 2. Collection method: clinical testing. Allele origin: germline. Affected: yes. Observed: 1 variant allele.
Comment: ARHGEF17: BP4, BP7

NM_014786.4(ARHGEF17):c.525A>C (p.Thr175=)

Genes: ARHGEF17 (Rho guanine nucleotide exchange factor 17; plus strand), ARHGEF17-AS1 (ARHGEF17 antisense RNA 1; minus strand). Cytogenetic location: 11q13.4.
Variant type: single nucleotide variant.
Coding change: c.525A>C on transcript NM_014786.4 (MANE Select); coding-DNA position 525, A replaced by C.
Protein change: p.Thr175=; no amino-acid change (threonine 175 retained).
Molecular consequence: synonymous variant. On other transcripts: non-coding transcript variant (1).
Genome position (GRCh38, 1-based): chr11:73,309,163, A>C. VCF-style: chr11-73309163-A-C. GRCh37 (hg19) VCF-style: chr11-73020208-A-C.
Identifiers: ClinVar variation 2642135 (VCV002642135.24), dbSNP rs756911360, ClinGen allele CA6176758.